The following is an entry in ClinVar:

ClinVar aggregate classification (germline): Uncertain significance. Review status: criteria provided, multiple submitters, no conflicts (2 of 4 stars). 4 submissions from 4 submitters: Uncertain significance (4). Last evaluated 2025-08-04.

Conditions:
Inborn genetic diseases. Identifiers: MedGen C0950123, MeSH D030342.
Majeed syndrome (MJDS). Also called: CHRONIC RECURRENT MULTIFOCAL OSTEOMYELITIS 1, WITH CONGENITAL DYSERYTHROPOIETIC ANEMIA, WITH OR WITHOUT NEUTROPHILIC DERMATOSIS; LPIN2-Related Majeed Syndrome. Identifiers: Orphanet 77297, MedGen C1864997, MONDO:0012316, OMIM 609628.

Allele frequency attached by ClinVar (database versions not stated): ExAC 0.00002; gnomAD 0.00002; TOPMed 0.00002; gnomAD exomes 0.00003 and 0.00006.
gnomAD v4.1: 42 of 1,613,898 alleles (0.0026%); highest among the groups gnomAD compares: South Asian, 0.023%; no homozygotes.

Submissions (4):

Ambry Genetics
Classification: Uncertain significance for Inborn genetic diseases. Last evaluated: 2025-08-04. Review status: criteria provided, single submitter. Criteria: Ambry Variant Classification Scheme 2023. Collection method: clinical testing. Allele origin: germline.

GeneDx
Classification: Uncertain significance. Last evaluated: 2023-07-06. Review status: criteria provided, single submitter. Criteria: GeneDx Variant Classification Process June 2021. Collection method: clinical testing. Allele origin: germline. Affected: yes.
Comment: In silico analysis supports that this missense variant does not alter protein structure/function; Has not been previously published as pathogenic or benign to our knowledge

Blueprint Genetics
Classification: Uncertain significance. Last evaluated: 2023-02-27. Review status: criteria provided, single submitter. Criteria: ACMG Guidelines, 2015. Collection method: clinical testing. Allele origin: germline.

Labcorp Genetics (formerly Invitae), Labcorp
Classification: Uncertain significance for Majeed syndrome. Last evaluated: 2022-10-14. Review status: criteria provided, single submitter. Criteria: Invitae Variant Classification Sherloc (09022015). Collection method: clinical testing. Allele origin: germline.
Comment: This sequence change replaces proline, which is neutral and non-polar, with leucine, which is neutral and non-polar, at codon 373 of the LPIN2 protein (p.Pro373Leu). This variant is present in population databases (rs772230305, gnomAD 0.05%). This variant has not been reported in the literature in individuals affected with LPIN2-related conditions. ClinVar contains an entry for this variant (Variation ID: 859621). Advanced modeling of protein sequence and biophysical properties (such as structural, functional, and spatial information, amino acid conservation, physicochemical variation, residue mobility, and thermodynamic stability) performed at Invitae indicates that this missense variant is not expected to disrupt LPIN2 protein function. In summary, the available evidence is currently insufficient to determine the role of this variant in disease. Therefore, it has been classified as a Variant of Uncertain Significance.

NM_001375808.2(LPIN2):c.1118C>T (p.Pro373Leu)

Gene: LPIN2 (lipin 2; minus strand). Cytogenetic location: 18p11.31.
Variant type: single nucleotide variant.
Coding change: c.1118C>T on transcript NM_001375808.2 (MANE Select); coding-DNA position 1118, C replaced by T.
Protein change: p.Pro373Leu; replaces proline 373 with leucine.
Molecular consequence: missense variant.
Genome position (GRCh38, 1-based): chr18:2,937,742, G>A on the plus strand (C>T on the coding strand, the complement: LPIN2 is on the minus strand). VCF-style: chr18-2937742-G-A. GRCh37 (hg19) VCF-style: chr18-2937740-G-A.
Other names: c.1118C>T, p.Pro373Leu (NM_001375809.1, NM_014646.2); short protein forms P373L.
Identifiers: ClinVar variation 859621 (VCV000859621.8), dbSNP rs772230305, ClinGen allele CA8873211.
Genomic context (GRCh38, chr18:2,937,742, plus strand): 5'-AAACGATTACCTTTCTTCTTTGACGGCGAGTCTACTTTAGCTGCCGGTTTGGATTCTGAG[G>A]GCGCCTCCGCTAAGGCTGCGTTGGGAAGGTGGTCAGCATCTAACATAGATGAAATCTGAG-3'
Protein context (NP_001362737.1, residues 363-383): HLPNAALAEA[Pro373Leu]SESKPAAKVD